The following is an entry in ClinVar:

NM_001369.3(DNAH5):c.11585del (p.Pro3862fs)

Gene: DNAH5 (dynein axonemal heavy chain 5; minus strand). Cytogenetic location: 5p15.2.
Variant type: Deletion.
Coding change: c.11585del on transcript NM_001369.3 (MANE Select); coding-DNA position 11585, one base deleted (C; older notation c.11585delC).
Protein change: p.Pro3862fs; shifts the reading frame from proline 3862.
Molecular consequence: frameshift variant.
Genome position (GRCh38, 1-based): chr5:13,735,307, G deleted on the plus strand (C on the coding strand, the reverse complement: DNAH5 is on the minus strand); the first of 3 consecutive G bases (chr5:13,735,307-13,735,309); deleting any one gives the same sequence. VCF-style (leftmost placement, unchanged base first): chr5-13735306-CG-C. GRCh37 (hg19) VCF-style: chr5-13735415-CG-C.
Other names: short protein forms P3862fs.
Identifiers: ClinVar variation 3591761 (VCV003591761.3).
Genomic context (GRCh38, chr5:13,735,306, plus strand): 5'-ATACTTATAAACCTCGTAGGTCATGTGCTCGATGATATTAGCAATCCTCTTGCTTGTAAT[CG>C]GGCTCTTGACAGACCTGGTGAATAGAATATTTAAATCAGGCTTATCCCACTGCCCTTTTC-3'

ClinVar aggregate classification (germline): Pathogenic/Likely pathogenic. Review status: criteria provided, multiple submitters, no conflicts (2 of 4 stars). 2 submissions from 2 submitters: Pathogenic (1); Likely pathogenic (1). Last evaluated 2025-01-10.

Conditions:
Primary ciliary dyskinesia 3. Identifiers: Orphanet 244, MedGen C1837618, MONDO:0012085, OMIM 608644.

Submissions (2):

Myriad Genetics, Inc.
Classification: Pathogenic for Primary ciliary dyskinesia 3. Last evaluated: 2025-01-10. Review status: criteria provided, single submitter. Criteria: Myriad Autosomal Dominant, Autosomal Recessive and X-Linked Classification Criteria (2023). Collection method: clinical testing. Allele origin: unknown.
Comment: NM_001369.2(DNAH5):c.11585delC(P3862Rfs*14) is expected to be pathogenic in the context of primary ciliary dyskinesia, DNAH5-related. This variant is predicted to lead to an abnormal or absent protein product due to the creation of a premature termination codon in DNAH5, a gene where loss-of-function variants are known to be pathogenic. Please note: this variant was assessed in the context of healthy population screening.

Fulgent Genetics
Classification: Likely pathogenic for Primary ciliary dyskinesia 3. Last evaluated: 2024-03-15. Review status: criteria provided, single submitter. Criteria: ACMG Guidelines, 2015. Collection method: clinical testing. Allele origin: germline.